The following is an entry in ClinVar:

NM_024757.5(EHMT1):c.294_297del (p.Arg99fs)

Gene: EHMT1 (euchromatic histone lysine methyltransferase 1; plus strand). Cytogenetic location: 9q34.3.
Variant type: Deletion.
Coding change: c.294_297del on transcript NM_024757.5 (MANE Select); coding-DNA positions 294 to 297, 4 bases deleted (AAGA; older notation c.294_297delAAGA).
Protein change: p.Arg99fs; shifts the reading frame from arginine 99.
Molecular consequence: frameshift variant.
Genome position (GRCh38, 1-based): chr9:137,716,834-137,716,837, AAGA deleted; deleting any 4 consecutive bases within chr9:137,716,831-137,716,837 gives the same sequence; the c. name uses the placement nearest the transcript's 3' end. VCF-style (leftmost placement, unchanged base first): chr9-137716830-CAGAA-C. GRCh37 (hg19) VCF-style: chr9-140611282-CAGAA-C.
Other names: c.294_297del, p.Arg99fs (NM_001145527.2, NM_001354263.2, NM_001354611.2); c.201_204del, p.Arg68fs (NM_001354259.2, NM_001354612.2); short protein forms R68fs, R99fs.
Identifiers: ClinVar variation 1709546 (VCV001709546.2), dbSNP rs2541031934, ClinGen allele CA2580081006.

ClinVar aggregate classification (germline): Pathogenic (1 of 4 stars; one submission).

Conditions:
Kleefstra syndrome 1 (KLEFS1). Identifiers: Orphanet 261494, MedGen C0795833, MONDO:0027407, OMIM 610253.

Submission:

MGZ Medical Genetics Center
Classification: Pathogenic for Kleefstra syndrome 1. Last evaluated: 2022-06-20. Review status: criteria provided, single submitter. Criteria: ACMG Guidelines, 2015. Collection method: clinical testing. Allele origin: germline. Affected: yes. Observed: 1 variant allele.
Comment: ACMG criteria applied: PVS1, PS2_MOD, PM2_SUP